The following is an entry in ClinVar:

NM_001256007.3(PNPLA8):c.55del (p.Ser19fs)

Gene: PNPLA8 (patatin like domain 8, phospholipase A2; minus strand). Cytogenetic location: 7q31.1.
Variant type: Deletion.
Coding change: c.55del on transcript NM_001256007.3 (MANE Select); coding-DNA position 55, one base deleted (A; older notation c.55delA).
Protein change: p.Ser19fs; shifts the reading frame from serine 19.
Molecular consequence: frameshift variant. On other transcripts: 5 prime UTR variant (2).
Genome position (GRCh38, 1-based): chr7:108,515,437, T deleted on the plus strand (A on the coding strand, the reverse complement: PNPLA8 is on the minus strand); the first of 2 consecutive T bases (chr7:108,515,437-108,515,438); deleting either gives the same sequence. VCF-style (leftmost placement, unchanged base first): chr7-108515436-CT-C. GRCh37 (hg19) VCF-style: chr7-108155880-CT-C.
Other names: c.55del, p.Ser19fs (NM_001256008.3, NM_001256009.3, NM_015723.5); c.-246del (NM_001256010.3, NM_001256011.3); short protein forms S19fs.
Identifiers: ClinVar variation 2978905 (VCV002978905.3), dbSNP rs1863267269, ClinGen allele CA1105669116.

ClinVar aggregate classification (germline): Pathogenic (1 of 4 stars; one submission).

Submission:

Labcorp Genetics (formerly Invitae), Labcorp
Classification: Pathogenic. Last evaluated: 2024-12-24. Review status: criteria provided, single submitter. Criteria: Invitae Variant Classification Sherloc (09022015). Collection method: clinical testing. Allele origin: germline.
Comment: This sequence change creates a premature translational stop signal (p.Ser19Valfs*23) in the PNPLA8 gene. It is expected to result in an absent or disrupted protein product. Loss-of-function variants in PNPLA8 are known to be pathogenic (PMID: 29681094). This variant is not present in population databases (gnomAD no frequency). This variant has not been reported in the literature in individuals affected with PNPLA8-related conditions. ClinVar contains an entry for this variant (Variation ID: 2978905). For these reasons, this variant has been classified as Pathogenic.

Literature cited by the submitters: PubMed 29681094.